The following is an entry in ClinVar:

NM_005321.3(H1-4):c.365A>C (p.Lys122Thr)

Gene: H1-4 (H1.4 linker histone, cluster member; plus strand). Cytogenetic location: 6p22.2.
Variant type: single nucleotide variant.
Coding change: c.365A>C on transcript NM_005321.3 (MANE Select); coding-DNA position 365, A replaced by C.
Protein change: p.Lys122Thr; replaces lysine 122 with threonine.
Molecular consequence: missense variant.
Genome position (GRCh38, 1-based): chr6:26,156,755, A>C. VCF-style: chr6-26156755-A-C. GRCh37 (hg19) VCF-style: chr6-26156983-A-C.
Other names: short protein forms K122T.
Identifiers: ClinVar variation 3856509 (VCV003856509.2).

ClinVar aggregate classification (germline): Uncertain significance. Review status: criteria provided, multiple submitters, no conflicts (2 of 4 stars). 2 submissions from 2 submitters: Uncertain significance (2). Last evaluated 2025-03-19.

Submissions (2):

Women's Health and Genetics/Laboratory Corporation of America, LabCorp
Classification: Uncertain significance. Last evaluated: 2025-03-19. Review status: criteria provided, single submitter. Criteria: LabCorp Variant Classification Summary - May 2015. Collection method: clinical testing. Allele origin: germline.
Comment: Variant summary: H1-4 c.365A>C (p.Lys122Thr) results in a non-conservative amino acid change in the encoded protein sequence. Three of five in-silico tools predict a damaging effect of the variant on protein function. The variant was absent in 248850 control chromosomes. The available data on variant occurrences in the general population are insufficient to allow any conclusion about variant significance. To our knowledge, no occurrence of c.365A>C in individuals affected with Rahman Syndrome and no experimental evidence demonstrating its impact on protein function have been reported. No submitters have cited clinical-significance assessments for this variant to ClinVar. Based on the evidence outlined above, the variant was classified as uncertain significance.

Ambry Genetics
Classification: Uncertain significance. Last evaluated: 2025-01-27. Review status: criteria provided, single submitter. Criteria: Ambry Variant Classification Scheme 2023. Collection method: clinical testing. Allele origin: germline.